The following is an entry in ClinVar:

NM_173495.3(PTCHD1):c.404C>T (p.Thr135Met)

Gene: PTCHD1 (patched domain containing 1; plus strand). Cytogenetic location: Xp22.11.
Variant type: single nucleotide variant.
Coding change: c.404C>T on transcript NM_173495.3 (MANE Select); coding-DNA position 404, C replaced by T.
Protein change: p.Thr135Met; replaces threonine 135 with methionine.
Molecular consequence: missense variant.
Genome position (GRCh38, 1-based): chrX:23,379,643, C>T. VCF-style: chrX-23379643-C-T. GRCh37 (hg19) VCF-style: chrX-23397760-C-T.
Other names: short protein forms T135M.
Identifiers: ClinVar variation 3781036 (VCV003781036.1).

ClinVar aggregate classification (germline): Uncertain significance (1 of 4 stars; one submission).

gnomAD v4.1: 1 of 1,211,138 alleles (0.000083%); highest among the groups gnomAD compares: Admixed American, 0.0022%; no homozygotes.

Submission:

GeneDx
Classification: Uncertain significance. Last evaluated: 2024-10-18. Review status: criteria provided, single submitter. Criteria: GeneDx Variant Classification Process June 2021. Collection method: clinical testing. Allele origin: germline. Affected: yes.
Comment: Not observed at significant frequency in large population cohorts (gnomAD); In silico analysis supports that this missense variant has a deleterious effect on protein structure/function; Has not been previously published as pathogenic or benign to our knowledge